The following is an entry in ClinVar:

NM_001267550.2(TTN):c.72645delinsCTGCAA (p.Ala24216fs)

Genes: TTN-AS1 (TTN antisense RNA 1; plus strand), TTN (titin; minus strand). Cytogenetic location: 2q31.2.
Variant type: Indel.
Coding change: c.72645delinsCTGCAA on transcript NM_001267550.2 (MANE Select); coding-DNA position 72645, T replaced by CTGCAA.
Protein change: p.Ala24216fs; shifts the reading frame from alanine 24216.
Molecular consequence: frameshift variant.
Genome position (GRCh38, 1-based): chr2:178,573,487, A replaced by TTGCAG on the plus strand (T replaced by CTGCAA on the coding strand, the reverse complement: TTN is on the minus strand). VCF-style: chr2-178573487-A-TTGCAG. GRCh37 (hg19) VCF-style: chr2-179438214-A-TTGCAG.
Other names: c.67722delinsCTGCAA, p.Ala22575fs (NM_001256850.1); c.45450delinsCTGCAA, p.Ala15151fs (NM_003319.4); c.64941delinsCTGCAA, p.Ala21648fs (NM_133378.4); c.45825delinsCTGCAA, p.Ala15276fs (NM_133432.3); c.46026delinsCTGCAA, p.Ala15343fs (NM_133437.4); c.45450delTinsCTGCAA (NM_003319.4); short protein forms A15151fs, A15276fs, A15343fs, A22575fs, A21648fs, A24216fs.
Identifiers: ClinVar variation 518663 (VCV000518663.5), dbSNP rs1553609137, ClinGen allele CA658796038.
Genomic context (GRCh38, chr2:178,573,487, plus strand): 5'-AGTAATAGTTGTCACTTCAGGGTTTTTGGGCGGATCAGGGGGTCCATAAGGATTCACTGC[A>TTGCAG]AGCACAGGCTCTGATTCCAGTGGCTCTCCCACTCCATATTTATTTACAGCCATGACACGG-3'

ClinVar aggregate classification (germline): Likely pathogenic (1 of 4 stars; one submission).

Conditions:
Cardiovascular phenotype. Identifiers: MedGen CN230736.

Submission:

Ambry Genetics
Classification: Likely pathogenic for Cardiovascular phenotype. Last evaluated: 2017-12-01. Review status: criteria provided, single submitter. Criteria: Ambry Variant Classification Scheme 2023. Collection method: clinical testing. Allele origin: germline.
Comment: The c.45450delTinsCTGCAA variant, located in coding exon 153 of the TTN gene, results from the deletion of one nucleotide and insertion of 6 nucleotides causing a translational frameshift with a predicted alternate stop codon (p.A15151Cfs*4). This exon is located in the A-band region of the N2-B isoform of the titin protein and is constitutively expressed in TTN transcripts (percent spliced in or PSI 100%). While truncating variants in TTN are present in 1-3% of the general population, truncating variants in the A-band are the most common cause of dilated cardiomyopathy (DCM) (Herman DS et al. N. Engl. J. Med. 2012 Feb;366:619-28; Roberts AM et al. Sci Transl Med. 2015 Jan;7:270ra6). TTN truncating variants encoded in constitutive exons (PSI >90%) have been found to be significantly associated with DCM regardless of their position in titin (Schafer S et al. Nat. Genet. 2017 Jan;49:46-53). This alteration is expected to result in loss of function by premature protein truncation or nonsense-mediated mRNA decay. As such, this alteration is classified as likely pathogenic.